The following is an entry in ClinVar:

ClinVar aggregate classification (germline): Uncertain significance (1 of 4 stars; one submission).

Allele frequency attached by ClinVar (database versions not stated): gnomAD 0.00001; TOPMed 0.00001; gnomAD exomes 0.00002 and 0.00003; ExAC 0.00003; 1000 Genomes Project 30x 0.00016; 1000 Genomes Project 0.00020.
gnomAD v4.1: 29 of 1,612,532 alleles (0.0018%); highest among the groups gnomAD compares: East Asian, 0.054%; no homozygotes.

Submission:

Labcorp Genetics (formerly Invitae), Labcorp
Classification: Uncertain significance. Last evaluated: 2025-07-03. Review status: criteria provided, single submitter. Criteria: Invitae Variant Classification Sherloc (09022015). Collection method: clinical testing. Allele origin: germline.
Comment: This sequence change replaces arginine, which is basic and polar, with glutamine, which is neutral and polar, at codon 651 of the COL9A2 protein (p.Arg651Gln). This variant is present in population databases (rs199850925, gnomAD 0.03%). This variant has not been reported in the literature in individuals affected with COL9A2-related conditions. ClinVar contains an entry for this variant (Variation ID: 1363732). Invitae Evidence Modeling of protein sequence and biophysical properties (such as structural, functional, and spatial information, amino acid conservation, physicochemical variation, residue mobility, and thermodynamic stability) indicates that this missense variant is not expected to disrupt COL9A2 protein function with a negative predictive value of 95%. In summary, the available evidence is currently insufficient to determine the role of this variant in disease. Therefore, it has been classified as a Variant of Uncertain Significance.

NM_001852.4(COL9A2):c.1952G>A (p.Arg651Gln)

Gene: COL9A2 (collagen type IX alpha 2 chain; minus strand). Cytogenetic location: 1p34.2.
Variant type: single nucleotide variant.
Coding change: c.1952G>A on transcript NM_001852.4 (MANE Select); coding-DNA position 1952, G replaced by A.
Protein change: p.Arg651Gln; replaces arginine 651 with glutamine.
Molecular consequence: missense variant.
Genome position (GRCh38, 1-based): chr1:40,301,300, C>T on the plus strand (G>A on the coding strand, the complement: COL9A2 is on the minus strand). VCF-style: chr1-40301300-C-T. GRCh37 (hg19) VCF-style: chr1-40766972-C-T.
Other names: short protein forms R651Q.
Identifiers: ClinVar variation 1363732 (VCV001363732.6), dbSNP rs199850925, ClinGen allele CA791270.